The following is an entry in ClinVar:

ClinVar aggregate classification (germline): Uncertain significance (1 of 4 stars; one submission).

Conditions:
Ataxia-telangiectasia syndrome (AT). Also called: Ataxia-telangiectasia, complementation group E; Cerebello-oculocutaneous telangiectasia; Immunodeficiency with ataxia telangiectasia; Ataxia-telangiectasia, complementation group D; AT, COMPLEMENTATION GROUP C; Ataxia-telangiectasia. Identifiers: Orphanet 100, MedGen C0004135, MONDO:0008840, OMIM 208900.

Submission:

Labcorp Genetics (formerly Invitae), Labcorp
Classification: Uncertain significance for Ataxia-telangiectasia syndrome. Last evaluated: 2022-06-30. Review status: criteria provided, single submitter. Criteria: Invitae Variant Classification Sherloc (09022015). Collection method: clinical testing. Allele origin: germline.
Comment: In summary, the available evidence is currently insufficient to determine the role of this variant in disease. Therefore, it has been classified as a Variant of Uncertain Significance. Advanced modeling of protein sequence and biophysical properties (such as structural, functional, and spatial information, amino acid conservation, physicochemical variation, residue mobility, and thermodynamic stability) performed at Invitae indicates that this missense variant is not expected to disrupt ATM protein function. ClinVar contains an entry for this variant (Variation ID: 847462). This variant has not been reported in the literature in individuals affected with ATM-related conditions. This variant is not present in population databases (gnomAD no frequency). This sequence change replaces valine, which is neutral and non-polar, with isoleucine, which is neutral and non-polar, at codon 1446 of the ATM protein (p.Val1446Ile).

NM_000051.4(ATM):c.4336G>A (p.Val1446Ile)

Gene: ATM (ATM serine/threonine kinase; plus strand). Cytogenetic location: 11q22.3.
Variant type: single nucleotide variant.
Coding change: c.4336G>A on transcript NM_000051.4 (MANE Select); coding-DNA position 4336, G replaced by A.
Protein change: p.Val1446Ile; replaces valine 1446 with isoleucine.
Molecular consequence: missense variant.
Genome position (GRCh38, 1-based): chr11:108,289,701, G>A. VCF-style: chr11-108289701-G-A. GRCh37 (hg19) VCF-style: chr11-108160428-G-A.
Other names: c.4336G>A, p.Val1446Ile (NM_001351834.2); short protein forms V1446I.
Identifiers: ClinVar variation 847462 (VCV000847462.9), dbSNP rs1060501658, ClinGen allele CA382531931.